The following is an entry in ClinVar:

ClinVar aggregate classification (germline): Conflicting classifications of pathogenicity. Review status: criteria provided, conflicting classifications (1 of 4 stars). 4 submissions from 4 submitters: Uncertain significance (1); Benign (2); Likely benign (1). Last evaluated 2026-03-01.

Conditions:
Primary open angle glaucoma (POAG). Also called: OPTN-related open angle glaucoma. Identifiers: MedGen C0339573, MONDO:0100553, OMIM 137760.

Allele frequency attached by ClinVar (database versions not stated): 1000 Genomes Project 30x 0.00187; 1000 Genomes Project 0.00240; gnomAD 0.00293; TOPMed 0.00362; ESP Exome Variant Server 0.00508.

Submissions (4):

CeGaT Center for Human Genetics Tuebingen
Classification: Benign. Last evaluated: 2026-03-01. Review status: criteria provided, single submitter. Criteria: CeGaT Center For Human Genetics Tuebingen Variant Classification Criteria Version 2. Collection method: clinical testing. Allele origin: germline. Affected: yes. Observed: 3 variant alleles.
Comment: WDR36: BP4, BS1, BS2

Labcorp Genetics (formerly Invitae), Labcorp
Classification: Benign. Last evaluated: 2026-01-12. Review status: criteria provided, single submitter. Criteria: Invitae Variant Classification Sherloc (09022015). Collection method: clinical testing. Allele origin: germline.

Mendelics
Classification: Uncertain significance for Primary open angle glaucoma. Last evaluated: 2019-05-28. Review status: criteria provided, single submitter. Criteria: Mendelics Assertion Criteria 2017. Collection method: clinical testing. Allele origin: unknown.

PreventionGenetics, part of Exact Sciences
Classification: Likely benign. Review status: criteria provided, single submitter. Criteria: ACMG Guidelines, 2015. Collection method: clinical testing. Allele origin: germline.

NM_139281.3(WDR36):c.-70C>G

Genes: WDR36 (WD repeat domain 36; plus strand), LOC129994346 (ATAC-STARR-seq lymphoblastoid active region 22888; plus strand). Cytogenetic location: 5q22.1.
Variant type: single nucleotide variant.
Coding change: c.-70C>G on transcript NM_139281.3 (MANE Select); 70 bases upstream of the start codon, C replaced by G.
Molecular consequence: 5 prime UTR variant.
Genome position (GRCh38, 1-based): chr5:111,092,387, C>G. VCF-style: chr5-111092387-C-G. GRCh37 (hg19) VCF-style: chr5-110428085-C-G.
Other names: short protein forms D33E.
Identifiers: ClinVar variation 262467 (VCV000262467.30), dbSNP rs35629723, ClinGen allele CA3365094.